The following is an entry in ClinVar:

NM_005876.5(SPEG):c.6163C>T (p.Arg2055Trp)

Genes: ASIC4-AS1 (ASIC4 antisense RNA 1; minus strand), SPEG (striated muscle enriched protein kinase; plus strand). Cytogenetic location: 2q35.
Variant type: single nucleotide variant.
Coding change: c.6163C>T on transcript NM_005876.5 (MANE Select); coding-DNA position 6163, C replaced by T.
Protein change: p.Arg2055Trp; replaces arginine 2055 with tryptophan.
Molecular consequence: missense variant.
Genome position (GRCh38, 1-based): chr2:219,483,626, C>T. VCF-style: chr2-219483626-C-T. GRCh37 (hg19) VCF-style: chr2-220348348-C-T.
Other names: short protein forms R2055W.
Identifiers: ClinVar variation 1947567 (VCV001947567.5), dbSNP rs1262544317, ClinGen allele CA350696924.

ClinVar aggregate classification (germline): Uncertain significance (1 of 4 stars; one submission).

gnomAD v4.1: 9 of 1,514,350 alleles (0.00059%); highest among the groups gnomAD compares: South Asian, 0.0012%; no homozygotes.

Submission:

Labcorp Genetics (formerly Invitae), Labcorp
Classification: Uncertain significance. Last evaluated: 2022-03-17. Review status: criteria provided, single submitter. Criteria: Invitae Variant Classification Sherloc (09022015). Collection method: clinical testing. Allele origin: germline.
Comment: This sequence change replaces arginine, which is basic and polar, with tryptophan, which is neutral and slightly polar, at codon 2055 of the SPEG protein (p.Arg2055Trp). This variant is not present in population databases (gnomAD no frequency). This variant has not been reported in the literature in individuals affected with SPEG-related conditions. Algorithms developed to predict the effect of missense changes on protein structure and function are either unavailable or do not agree on the potential impact of this missense change (SIFT: "Deleterious"; PolyPhen-2: "Possibly Damaging"; Align-GVGD: "Class C0"). In summary, the available evidence is currently insufficient to determine the role of this variant in disease. Therefore, it has been classified as a Variant of Uncertain Significance.